The following is an entry in ClinVar:

ClinVar aggregate classification (germline): Uncertain significance (1 of 4 stars; one submission).

Submission:

Labcorp Genetics (formerly Invitae), Labcorp
Classification: Uncertain significance. Last evaluated: 2023-10-13. Review status: criteria provided, single submitter. Criteria: Invitae Variant Classification Sherloc (09022015). Collection method: clinical testing. Allele origin: germline.
Comment: This sequence change replaces methionine, which is neutral and non-polar, with isoleucine, which is neutral and non-polar, at codon 1651 of the MYH9 protein (p.Met1651Ile). This variant is not present in population databases (gnomAD no frequency). This variant has not been reported in the literature in individuals affected with MYH9-related conditions. Advanced modeling of protein sequence and biophysical properties (such as structural, functional, and spatial information, amino acid conservation, physicochemical variation, residue mobility, and thermodynamic stability) performed at Invitae indicates that this missense variant is not expected to disrupt MYH9 protein function. In summary, the available evidence is currently insufficient to determine the role of this variant in disease. Therefore, it has been classified as a Variant of Uncertain Significance.

NM_002473.6(MYH9):c.4953G>T (p.Met1651Ile)

Gene: MYH9 (myosin heavy chain 9; minus strand). Cytogenetic location: 22q12.3.
Variant type: single nucleotide variant.
Coding change: c.4953G>T on transcript NM_002473.6 (MANE Select); coding-DNA position 4953, G replaced by T.
Protein change: p.Met1651Ile; replaces methionine 1651 with isoleucine.
Molecular consequence: missense variant.
Genome position (GRCh38, 1-based): chr22:36,286,826, C>A on the plus strand (G>T on the coding strand, the complement: MYH9 is on the minus strand). VCF-style: chr22-36286826-C-A. GRCh37 (hg19) VCF-style: chr22-36682872-C-A.
Other names: short protein forms M1651I.
Identifiers: ClinVar variation 2764950 (VCV002764950.3), dbSNP rs1452965691, ClinGen allele CA411374587.
Genomic context (GRCh38, chr22:36,286,826, plus strand): 5'-GTTCTCTTTGGCCTGGGCCAGGATCTCCTCACGAGAGGCGCGGGTGTCATCCAGCTCGCG[C>A]ATGCAGTCCTTCATCTGGGCCTGGGGTGGGGACAGAGGCTTGGCACCCCACCCAGCTCCT-3'
Protein context (NP_002464.1, residues 1641-1661): RKLQAQMKDC[Met1651Ile]RELDDTRASR